The following is an entry in ClinVar:

NM_007055.4(POLR3A):c.2360-13T>G

Gene: POLR3A (RNA polymerase III subunit A; minus strand). Cytogenetic location: 10q22.3.
Variant type: single nucleotide variant.
Coding change: c.2360-13T>G on transcript NM_007055.4 (MANE Select); 13 bases into the intron before coding-DNA position 2360, T replaced by G.
Molecular consequence: intron variant.
Genome position (GRCh38, 1-based): chr10:78,001,107, A>C on the plus strand (T>G on the coding strand, the complement: POLR3A is on the minus strand). VCF-style: chr10-78001107-A-C. GRCh37 (hg19) VCF-style: chr10-79760865-A-C.
Identifiers: ClinVar variation 1967691 (VCV001967691.5), dbSNP rs2493207982, ClinGen allele CA2580082012.

ClinVar aggregate classification (germline): Uncertain significance (1 of 4 stars; one submission).

Submission:

Labcorp Genetics (formerly Invitae), Labcorp
Classification: Uncertain significance. Last evaluated: 2022-08-01. Review status: criteria provided, single submitter. Criteria: Invitae Variant Classification Sherloc (09022015). Collection method: clinical testing. Allele origin: germline.
Comment: In summary, the available evidence is currently insufficient to determine the role of this variant in disease. Therefore, it has been classified as a Variant of Uncertain Significance. Algorithms developed to predict the effect of sequence changes on RNA splicing suggest that this variant may disrupt the consensus splice site. This variant has not been reported in the literature in individuals affected with POLR3A-related conditions. This variant is not present in population databases (gnomAD no frequency). This sequence change falls in intron 17 of the POLR3A gene. It does not directly change the encoded amino acid sequence of the POLR3A protein.